The following is an entry in ClinVar:

NM_002224.4(ITPR3):c.7095T>C (p.Asn2365=)

Gene: ITPR3 (inositol 1,4,5-trisphosphate receptor type 3; plus strand). Cytogenetic location: 6p21.31.
Variant type: single nucleotide variant.
Coding change: c.7095T>C on transcript NM_002224.4 (MANE Select); coding-DNA position 7095, T replaced by C.
Protein change: p.Asn2365=; no amino-acid change (asparagine 2365 retained).
Molecular consequence: synonymous variant.
Genome position (GRCh38, 1-based): chr6:33,690,979, T>C. VCF-style: chr6-33690979-T-C. GRCh37 (hg19) VCF-style: chr6-33658756-T-C.
Identifiers: ClinVar variation 4534338 (VCV004534338.6).

ClinVar aggregate classification (germline): Likely benign (1 of 4 stars; one submission).

gnomAD v4.1: 3 of 1,614,176 alleles (0.00019%); highest among the groups gnomAD compares: East Asian, 0.0022%; no homozygotes.

Submission:

CeGaT Center for Human Genetics Tuebingen
Classification: Likely benign. Last evaluated: 2025-11-01. Review status: criteria provided, single submitter. Criteria: CeGaT Center For Human Genetics Tuebingen Variant Classification Criteria Version 2. Collection method: clinical testing. Allele origin: germline. Affected: yes. Observed: 1 variant allele.
Comment: ITPR3: BP4, BP7